The following is an entry in ClinVar:

NM_003660.4(PPFIA3):c.1207G>C (p.Glu403Gln)

Gene: PPFIA3 (PPFI scaffold protein A3; plus strand). Cytogenetic location: 19q13.33.
Variant type: single nucleotide variant.
Coding change: c.1207G>C on transcript NM_003660.4 (MANE Select); coding-DNA position 1207, G replaced by C.
Protein change: p.Glu403Gln; replaces glutamic acid 403 with glutamine.
Molecular consequence: missense variant. On other transcripts: non-coding transcript variant (1).
Genome position (GRCh38, 1-based): chr19:49,133,841, G>C. VCF-style: chr19-49133841-G-C. GRCh37 (hg19) VCF-style: chr19-49637098-G-C.
Other names: short protein forms E403Q.
Identifiers: ClinVar variation 4828649 (VCV004828649.1).

ClinVar aggregate classification (germline): Uncertain significance (1 of 4 stars; one submission).

Conditions:
Inborn genetic diseases. Identifiers: MedGen C0950123, MeSH D030342.

Submission:

Ambry Genetics
Classification: Uncertain significance for Inborn genetic diseases. Last evaluated: 2026-03-11. Review status: criteria provided, single submitter. Criteria: Ambry Variant Classification Scheme 2023. Collection method: clinical testing. Allele origin: germline.
Comment: The c.1207G>C (p.E403Q) alteration is located in exon 10 (coding exon 9) of the PPFIA3 gene. This alteration results from a G to C substitution at nucleotide position 1207, causing the glutamic acid (E) at amino acid position 403 to be replaced by a glutamine (Q). This variant was not reported in population-based cohorts in the Genome Aggregation Database (gnomAD). This amino acid position is highly conserved in available vertebrate species. This missense alteration is located in a region that has a low rate of benign missense variation (Lek, 2016; Firth, 2009). The in silico prediction for this alteration is inconclusive. Based on insufficient or conflicting evidence, the clinical significance of this alteration remains unclear.